The following is an entry in ClinVar:

NM_000179.3(MSH6):c.3922_3979dup (p.Asn1327delinsThrProArgGlySerTyrSerLysGlyThrTer)

Gene: MSH6 (mutS homolog 6; plus strand). Cytogenetic location: 2p16.3.
Variant type: Duplication.
Coding change: c.3922_3979dup on transcript NM_000179.3 (MANE Select); coding-DNA positions 3922 to 3979, 58 bases duplicated.
Protein change: p.Asn1327delinsThrProArgGlySerTyrSerLysGlyThrTer.
Molecular consequence: nonsense. On other transcripts: synonymous variant (1), non-coding transcript variant (5), intron variant (1).
Genome position (GRCh38, 1-based): chr2:47,806,572-47,806,629, 58 bases duplicated. GRCh37 (hg19): chr2:48,033,711-48,033,768.
Other names: c.3532_3589dup, p.Asn1197delinsThrProArgGlySerTyrSerLysGlyThrTer (NM_001281492.2); c.3016_3073dup, p.Asn1025delinsThrProArgGlySerTyrSerLysGlyThrTer (NM_001281493.2, NM_001281494.2, NM_001406811.1 and 6 more transcripts); c.4018_4075dup, p.Asn1359delinsThrProArgGlySerTyrSerLysGlyThrTer (NM_001406795.1); c.3922_3979dup, p.Asn1327delinsThrProArgGlySerTyrSerLysGlyThrTer (NM_001406796.1, NM_001406808.1, NM_001406809.1); c.3625_3682dup, p.Asn1228delinsThrProArgGlySerTyrSerLysGlyThrTer (NM_001406797.1, NM_001406801.1, NM_001406805.1 and 10 more transcripts); c.3748_3805dup, p.Asn1269delinsThrProArgGlySerTyrSerLysGlyThrTer (NM_001406798.1); c.3397_3454dup, p.Asn1152delinsThrProArgGlySerTyrSerLysGlyThrTer (NM_001406799.1, NM_001406806.1, NM_001406807.1); c.3909_3966dup, p.Ile1303_Ter1322= (NM_001406800.1); and 9 more.
Identifiers: ClinVar variation 4532265 (VCV004532265.1).

ClinVar aggregate classification (germline): Pathogenic (1 of 4 stars; one submission).

Conditions:
Hereditary cancer-predisposing syndrome. Also called: Tumor predisposition; Hereditary Cancer Syndrome; Hereditary neoplastic syndrome; Neoplastic Syndromes, Hereditary. Identifiers: Orphanet 140162, MedGen C0027672, MeSH D009386, MONDO:0015356.

Submission:

Molecular Diagnostics Laboratory, Catalan Institute of Oncology
Classification: Pathogenic for Hereditary cancer-predisposing syndrome. Last evaluated: 2024-05-09. Review status: criteria provided, single submitter. Criteria: ClinGen CRC ACMG Specifications MSH6 V1.0.0. Collection method: clinical testing. Allele origin: germline. Inheritance: Autosomal dominant inheritance. Affected: yes.
Comment: c.3922_3979dup, located in exon 9 of the MSH6 gene, consists of a duplication of 58 nucleotides. It is predicted to cause a translational frameshift, resulting in a premature stop codon, p.(Asn1327Thrfs*11). Although the SpliceAI algorithm predicts a moderate impact on splicing due to the loss of the acceptor site in exon 10 (delta score: 0.36), the variant is expected to result in a premature protein truncation before codon 1341 (PVS1). It is not present in either of the population databases gnomAD v4.1.0 and gnomAD SVs v4.1.0 (PM2_supporting). To our knowledge, no functional studies have been reported for this variant. Also, the variant has not been reported in ClinVar, InSIGHT or in LOVD databases. Based on currently available information, c.3922_3979dup is classified as a pathogenic according to ClinGen-MSH6 Guidelines v1.0.0.